The following is an entry in ClinVar:

ClinVar aggregate classification (germline): Uncertain significance (1 of 4 stars; one submission).

Conditions:
Long QT syndrome (LQTS). Identifiers: MedGen C0023976, MeSH D008133, MONDO:0002442. Disease mechanism: loss of function. Inheritance: Various modes of inheritance.

Submission:

All of Us Research Program, National Institutes of Health
Classification: Uncertain significance for Long QT syndrome. Last evaluated: 2023-11-20. Review status: criteria provided, single submitter. Criteria: ACMG Guidelines, 2015. Collection method: clinical testing. Allele origin: germline. Inheritance: Autosomal dominant inheritance. Observed: 1 variant allele, 1 heterozygote.
Comment: This missense variant replaces alanine with proline at codon 378 of the KCNQ1 protein. Computational prediction is inconclusive regarding the impact of this variant on protein structure and function (internally defined REVEL score threshold 0.5 < inconclusive < 0.7, PMID: 27666373). To our knowledge, functional studies have not been reported for this variant. This variant has not been reported in individuals affected with KCNQ1-related disorders in the literature. This variant has not been identified in the general population by the Genome Aggregation Database (gnomAD). The available evidence is insufficient to determine the role of this variant in disease conclusively. Therefore, this variant is classified as a Variant of Uncertain Significance.

This study involves interpretation of variants in research participants for the purpose of population health screening. Participant phenotype was not available at the time of variant classification. Additional details can be found in publication PMID: 35346344, PMCID: PMC8962531

NM_000218.3(KCNQ1):c.1132G>C (p.Ala378Pro)

Gene: KCNQ1 (potassium voltage-gated channel subfamily Q member 1; plus strand). Cytogenetic location: 11p15.5.
Variant type: single nucleotide variant.
Coding change: c.1132G>C on transcript NM_000218.3 (MANE Select); coding-DNA position 1132, G replaced by C.
Protein change: p.Ala378Pro; replaces alanine 378 with proline.
Molecular consequence: missense variant.
Genome position (GRCh38, 1-based): chr11:2,587,573, G>C. VCF-style: chr11-2587573-G-C. GRCh37 (hg19) VCF-style: chr11-2608803-G-C.
Other names: c.1036G>C, p.Ala346Pro (NM_001406836.1); c.862G>C, p.Ala288Pro (NM_001406837.1); c.592G>C, p.Ala198Pro (NM_001406838.1); c.751G>C, p.Ala251Pro (NM_181798.2); short protein forms A198P, A251P, A288P, A346P, A378P.
Identifiers: ClinVar variation 3074538 (VCV003074538.1), dbSNP rs756571615, ClinGen allele CA379134638.